The following is an entry in ClinVar:

NM_139058.3(ARX):c.1226C>G (p.Pro409Arg)

Gene: ARX (aristaless related homeobox; minus strand). Cytogenetic location: Xp21.3.
Variant type: single nucleotide variant.
Coding change: c.1226C>G on transcript NM_139058.3 (MANE Select); coding-DNA position 1226, C replaced by G.
Protein change: p.Pro409Arg; replaces proline 409 with arginine.
Molecular consequence: missense variant.
Genome position (GRCh38, 1-based): chrX:25,007,333, G>C on the plus strand (C>G on the coding strand, the complement: ARX is on the minus strand). VCF-style: chrX-25007333-G-C. GRCh37 (hg19) VCF-style: chrX-25025450-G-C.
Other names: short protein forms P409R.
Identifiers: ClinVar variation 3384963 (VCV003384963.1).

ClinVar aggregate classification (germline): Uncertain significance (1 of 4 stars; one submission).

Submission:

Women's Health and Genetics/Laboratory Corporation of America, LabCorp
Classification: Uncertain significance. Last evaluated: 2024-10-29. Review status: criteria provided, single submitter. Criteria: LabCorp Variant Classification Summary - May 2015. Collection method: clinical testing. Allele origin: germline.
Comment: Variant summary: ARX c.1226C>G (p.Pro409Arg) results in a non-conservative amino acid change located in the Paired Homeobox Transcription Factors domain (IPR050649) of the encoded protein sequence. Five of five in-silico tools predict a damaging effect of the variant on protein function. The frequency data for this variant in gnomAD is considered unreliable, as metrics indicate poor data quality at this position. To our knowledge, no occurrence of c.1226C>G in individuals affected with AXR-Related Disorder and no experimental evidence demonstrating its impact on protein function have been reported. No submitters have cited clinical-significance assessments for this variant to ClinVar. Based on the evidence outlined above, the variant was classified as uncertain significance.